The following is an entry in ClinVar:

NM_178857.6(RP1L1):c.4018_4019insGGACTAAAACAGAAGAAGGGCTGCAAGAAGAGGGGGTGCAGTTAGAGGGGACTAAAACAGAAGAAGGGCTGCAAGAAGAGGGGGTGCAGTTAGAGG (p.Glu1339_Glu1340insGlyThrLysThrGluGluGlyLeuGlnGluGluGlyValGlnLeuGluGlyThrLysThrGluGluGlyLeuGlnGluGluGlyValGlnLeuGlu)

Gene: RP1L1 (RP1 like 1). Cytogenetic location: 8p23.1.
Variant type: Indel.
Coding change: c.4018_4019insGGACTAAAACAGAAGAAGGGCTGCAAGAAGAGGGGGTGCAGTTAGAGGGGACTAAAACAGAAGAAGGGCTGCAAGAAGAGGGGGTGCAGTTAGAGG on transcript NM_178857.6 (MANE Select); coding-DNA positions 4018 to 4019, GGACTAAAACAGAAGAAGGGCTGCAAGAAGAGGGGGTGCAGTTAGAGGGGACTAAAACAGAAGAAGGGCTGCAAGAAGAGGGGGTGCAGTTAGAGG inserted.
Protein change: p.Glu1339_Glu1340insGlyThrLysThrGluGluGlyLeuGlnGluGluGlyValGlnLeuGluGlyThrLysThrGluGluGlyLeuGlnGluGluGlyValGlnLeuGlu.
Molecular consequence: inframe insertion.
Genome position: GRCh38: chr8:10,610,125-10,610,126. GRCh37 (hg19): chr8:10,467,635-10,467,636.
Identifiers: ClinVar variation 4280993 (VCV004280993.8).

ClinVar aggregate classification (germline): Benign/Likely benign. Review status: criteria provided, multiple submitters, no conflicts (2 of 4 stars). 2 submissions from 2 submitters: Benign (1); Likely benign (1). Last evaluated 2026-09-01.

Submissions (2):

CeGaT Center for Human Genetics Tuebingen
Classification: Benign. Last evaluated: 2026-09-01. Review status: criteria provided, single submitter. Criteria: CeGaT Center For Human Genetics Tuebingen Variant Classification Criteria Version 2. Collection method: clinical testing. Allele origin: germline. Affected: yes. Observed: 7 variant alleles.
Comment: RP1L1: BS1, BS2

Blueprint Genetics
Classification: Likely benign. Last evaluated: 2024-11-27. Review status: criteria provided, single submitter. Criteria: ACMG Guidelines, 2015. Collection method: clinical testing. Allele origin: germline.